The following is an entry in ClinVar:

ClinVar aggregate classification (germline): Uncertain significance (1 of 4 stars; one submission).

Conditions:
Hereditary antithrombin deficiency (AT3D). Also called: Reduced antithrombin III activity; Antithrombin deficiency; Antithrombin III deficiency; Thrombophilia due to antithrombin III deficiency. Identifiers: Orphanet 82, MedGen C0272375, MONDO:0013144, OMIM 613118, HP:0001976.

gnomAD v4.1: 13 of 1,614,072 alleles (0.00081%); highest among the groups gnomAD compares: Admixed American, 0.0017%; no homozygotes.

Submission:

Labcorp Genetics (formerly Invitae), Labcorp
Classification: Uncertain significance for Hereditary antithrombin deficiency. Last evaluated: 2024-10-16. Review status: criteria provided, single submitter. Criteria: Invitae Variant Classification Sherloc (09022015). Collection method: clinical testing. Allele origin: germline.
Comment: This sequence change replaces aspartic acid, which is acidic and polar, with glutamic acid, which is acidic and polar, at codon 181 of the SERPINC1 protein (p.Asp181Glu). This variant is present in population databases (no rsID available, gnomAD 0.003%). This variant has not been reported in the literature in individuals affected with SERPINC1-related conditions. Invitae Evidence Modeling of protein sequence and biophysical properties (such as structural, functional, and spatial information, amino acid conservation, physicochemical variation, residue mobility, and thermodynamic stability) indicates that this missense variant is not expected to disrupt SERPINC1 protein function with a negative predictive value of 95%. In summary, the available evidence is currently insufficient to determine the role of this variant in disease. Therefore, it has been classified as a Variant of Uncertain Significance.

NM_000488.4(SERPINC1):c.543C>A (p.Asp181Glu)

Gene: SERPINC1 (serpin family C member 1; minus strand). Cytogenetic location: 1q25.1.
Variant type: single nucleotide variant.
Coding change: c.543C>A on transcript NM_000488.4 (MANE Select); coding-DNA position 543, C replaced by A.
Protein change: p.Asp181Glu; replaces aspartic acid 181 with glutamic acid.
Molecular consequence: missense variant. On other transcripts: intron variant (1).
Genome position (GRCh38, 1-based): chr1:173,911,880, G>T on the plus strand (C>A on the coding strand, the complement: SERPINC1 is on the minus strand). VCF-style: chr1-173911880-G-T. GRCh37 (hg19) VCF-style: chr1-173881018-G-T.
Other names: c.399C>A, p.Asp133Glu (NM_001365052.2); c.543C>A, p.Asp181Glu (NM_001386302.1, NM_001386304.1, NM_001386305.1); c.624C>A, p.Asp208Glu (NM_001386303.1); c.409-989C>A (NM_001386306.1); short protein forms D208E, D133E, D181E.
Identifiers: ClinVar variation 3687005 (VCV003687005.2).
Genomic context (GRCh38, chr1:173,911,880, plus strand): 5'-CTTGGCTCCATATACCAACTCACTGATGTCCTGGTAGGTCTCATTGAAGGTAAGGGATTT[G>T]TCTCCAAAAAGGCGATTGGCTGATACTAACTTGGAGGATTTGTTGGCTTTTCGATAGAGT-3'
Protein context (NP_000479.1, residues 171-191): KLVSANRLFG[Asp181Glu]KSLTFNETYQ